The following is an entry in ClinVar:

NM_032776.3(JMJD1C):c.5586A>C (p.Lys1862Asn)

Gene: JMJD1C (jumonji domain containing 1C; minus strand). Cytogenetic location: 10q21.3.
Variant type: single nucleotide variant.
Coding change: c.5586A>C on transcript NM_032776.3 (MANE Select); coding-DNA position 5586, A replaced by C.
Protein change: p.Lys1862Asn; replaces lysine 1862 with asparagine.
Molecular consequence: missense variant. On other transcripts: non-coding transcript variant (1).
Genome position (GRCh38, 1-based): chr10:63,197,469, T>G on the plus strand (A>C on the coding strand, the complement: JMJD1C is on the minus strand). VCF-style: chr10-63197469-T-G. GRCh37 (hg19) VCF-style: chr10-64957229-T-G.
Other names: c.5040A>C, p.Lys1680Asn (NM_001282948.2, NM_001318154.2); c.4722A>C, p.Lys1574Asn (NM_001318153.2); c.5472A>C, p.Lys1824Asn (NM_001322252.2); c.4929A>C, p.Lys1643Asn (NM_001322254.2, NM_001322258.2); short protein forms K1643N, K1574N, K1680N, K1824N, K1862N.
Identifiers: ClinVar variation 1391188 (VCV001391188.6), dbSNP rs2133055232, ClinGen allele CA377030652.

ClinVar aggregate classification (germline): Uncertain significance (1 of 4 stars; one submission).

Conditions:
Early Myoclonic Encephalopathy. Identifiers: MedGen C0270855.

Submission:

Labcorp Genetics (formerly Invitae), Labcorp
Classification: Uncertain significance for Early Myoclonic Encephalopathy. Last evaluated: 2022-02-07. Review status: criteria provided, single submitter. Criteria: Invitae Variant Classification Sherloc (09022015). Collection method: clinical testing. Allele origin: germline.
Comment: This sequence change replaces lysine, which is basic and polar, with asparagine, which is neutral and polar, at codon 1862 of the JMJD1C protein (p.Lys1862Asn). This variant is not present in population databases (gnomAD no frequency). This variant has not been reported in the literature in individuals affected with JMJD1C-related conditions. Algorithms developed to predict the effect of missense changes on protein structure and function are either unavailable or do not agree on the potential impact of this missense change (SIFT: "Deleterious"; PolyPhen-2: "Probably Damaging"; Align-GVGD: "Class C0"). In summary, the available evidence is currently insufficient to determine the role of this variant in disease. Therefore, it has been classified as a Variant of Uncertain Significance.